The following is an entry in ClinVar:

NM_001145346.2(RBMXL3):c.2106T>C (p.Tyr702=)

Genes: LRCH2 (leucine rich repeats and calponin homology domain containing 2; minus strand), RBMXL3 (RBMX like 3; plus strand). Cytogenetic location: Xq23.
Variant type: single nucleotide variant.
Coding change: c.2106T>C on transcript NM_001145346.2 (MANE Select); coding-DNA position 2106, T replaced by C.
Protein change: p.Tyr702=; no amino-acid change (tyrosine 702 retained).
Molecular consequence: synonymous variant. On other transcripts: intron variant (2).
Genome position (GRCh38, 1-based): chrX:115,191,547, T>C. VCF-style: chrX-115191547-T-C. GRCh37 (hg19) VCF-style: chrX-114426110-T-C.
Other names: c.350-3177A>G (NM_001243963.2, NM_020871.4).
Identifiers: ClinVar variation 4821237 (VCV004821237.4).
Genomic context (GRCh38, chrX:115,191,547, plus strand): 5'-AGGCCGCTCGCCTGATGCCTACAGTGGGGGCCACGACAGTTCCAGCCAGAGCAACCGCTA[T>C]GGAGGAGGCGGCCGCTACGAGGAGTACCGAGGCCACTCGCTTGATGCCAACAGCGGAGGC-3'
Protein context (NP_001138818.1, residues 692-712): GHDSSSQSNR[Tyr702=]GGGGRYEEYR

ClinVar aggregate classification (germline): Likely benign (1 of 4 stars; one submission).

Submission:

CeGaT Center for Human Genetics Tuebingen
Classification: Likely benign. Last evaluated: 2026-03-01. Review status: criteria provided, single submitter. Criteria: CeGaT Center For Human Genetics Tuebingen Variant Classification Criteria Version 2. Collection method: clinical testing. Allele origin: germline. Affected: yes. Observed: 1 variant allele.
Comment: RBMXL3: BP4, BP7